The following is an entry in ClinVar:

NM_001282531.3(ADNP):c.1141G>C (p.Gly381Arg)

Gene: ADNP (activity dependent neuroprotector homeobox; minus strand). Cytogenetic location: 20q13.13.
Variant type: single nucleotide variant.
Coding change: c.1141G>C on transcript NM_001282531.3 (MANE Select); coding-DNA position 1141, G replaced by C.
Protein change: p.Gly381Arg; replaces glycine 381 with arginine.
Molecular consequence: missense variant.
Genome position (GRCh38, 1-based): chr20:50,893,573, C>G on the plus strand (G>C on the coding strand, the complement: ADNP is on the minus strand). VCF-style: chr20-50893573-C-G. GRCh37 (hg19) VCF-style: chr20-49510110-C-G.
Other names: c.1141G>C, p.Gly381Arg (NM_001282532.2, NM_001347511.2, NM_015339.5 and 1 more transcripts); short protein forms G381R.
Identifiers: ClinVar variation 389878 (VCV000389878.6), dbSNP rs1057523567, ClinGen allele CA16609045.

ClinVar aggregate classification (germline): Conflicting classifications of pathogenicity. Review status: criteria provided, conflicting classifications (1 of 4 stars). 3 submissions from 3 submitters: Uncertain significance (1); Likely benign (2). Last evaluated 2026-05-26.

Conditions:
Inborn genetic diseases. Identifiers: MedGen C0950123, MeSH D030342.

Allele frequency attached by ClinVar (database versions not stated): gnomAD exomes below 0.00001.
gnomAD v4.1: 2 of 1,614,078 alleles (0.00012%); highest among the groups gnomAD compares: Non-Finnish European, 0.00017%; no homozygotes.

Submissions (3):

Ambry Genetics
Classification: Uncertain significance for Inborn genetic diseases. Last evaluated: 2026-05-26. Review status: criteria provided, single submitter. Criteria: Ambry Variant Classification Scheme 2023. Collection method: clinical testing. Allele origin: germline.

Labcorp Genetics (formerly Invitae), Labcorp
Classification: Likely benign. Last evaluated: 2024-10-23. Review status: criteria provided, single submitter. Criteria: Invitae Variant Classification Sherloc (09022015). Collection method: clinical testing. Allele origin: germline.

GeneDx
Classification: Likely benign. Last evaluated: 2017-03-31. Review status: criteria provided, single submitter. Criteria: GeneDx Variant Classification (06012015). Collection method: clinical testing. Allele origin: germline. Affected: yes.
Comment: This variant is considered likely benign or benign based on one or more of the following criteria: it is a conservative change, it occurs at a poorly conserved position in the protein, it is predicted to be benign by multiple in silico algorithms, and/or has population frequency not consistent with disease.